The following is an entry in ClinVar:

NM_001164508.2(NEB):c.13309G>A (p.Val4437Met)

Gene: NEB (nebulin; minus strand). Cytogenetic location: 2q23.3.
Variant type: single nucleotide variant.
Coding change: c.13309G>A on transcript NM_001164508.2 (MANE Select); coding-DNA position 13309, G replaced by A.
Protein change: p.Val4437Met; replaces valine 4437 with methionine.
Molecular consequence: missense variant. On other transcripts: intron variant (1).
Genome position (GRCh38, 1-based): chr2:151,602,646, C>T on the plus strand (G>A on the coding strand, the complement: NEB is on the minus strand). VCF-style: chr2-151602646-C-T. GRCh37 (hg19) VCF-style: chr2-152459160-C-T.
Other names: c.13309G>A, p.Val4437Met (NM_001164507.2, NM_001271208.2); c.11601+7163G>A (NM_004543.5); short protein forms V4437M.
Identifiers: ClinVar variation 4977765 (VCV004977765.1).

ClinVar aggregate classification (germline): Uncertain significance (1 of 4 stars; one submission).

Conditions:
NEB-related disorder. Also called: NEB-Related Disorders; NEB-related condition.

Submission:

PreventionGenetics, part of Exact Sciences
Classification: Uncertain significance for NEB-related condition. Last evaluated: 2025-12-11. Review status: criteria provided, single submitter. Criteria: ACMG Guidelines, 2015. Collection method: clinical testing. Allele origin: germline.
Comment: The NEB c.13309G>A variant is predicted to result in the amino acid substitution p.Val4437Met. To our knowledge, this variant has not been reported in the literature or in a large population database (gnomAD), indicating this variant is rare; however, the quality of this data in gnomAD is questionable and should be treated with caution. At this time, the clinical significance of this variant is uncertain due to the absence of conclusive functional and genetic evidence.